The following is an entry in ClinVar:

NM_001848.3(COL6A1):c.96G>C (p.Gln32His)

Gene: COL6A1 (collagen type VI alpha 1 chain; plus strand). Cytogenetic location: 21q22.3.
Variant type: single nucleotide variant.
Coding change: c.96G>C on transcript NM_001848.3 (MANE Select); coding-DNA position 96, G replaced by C.
Protein change: p.Gln32His; replaces glutamine 32 with histidine.
Molecular consequence: missense variant.
Genome position (GRCh38, 1-based): chr21:45,981,946, G>C. VCF-style: chr21-45981946-G-C. GRCh37 (hg19) VCF-style: chr21-47401860-G-C.
Other names: short protein forms Q32H.
Identifiers: ClinVar variation 3649619 (VCV003649619.2).
Genomic context (GRCh38, chr21:45,981,946, plus strand): 5'-GCAGGCCTGCTGGACAGCCGCGCAGGATGAGCCGGAGACCCCGAGGGCCGTGGCCTTCCA[G>C]GGTGAGTGGTGGCTTGGGGTGCAGGCTCCAGACCCCCCGCTCTTTGCTGCCGGCCAGGGC-3'
Protein context (NP_001839.2, residues 22-42): EPETPRAVAF[Gln32His]DCPVDLFFVL

ClinVar aggregate classification (germline): Uncertain significance (1 of 4 stars; one submission).

Conditions:
Bethlem myopathy 1A. Also called: Bethlem myopathy 1; MYOPATHY, BENIGN CONGENITAL, WITH CONTRACTURES; Bethlem Muscular Dystrophy. Identifiers: Orphanet 610, MedGen CN029274, MONDO:0024530, OMIM 158810.

gnomAD v4.1: 1 of 1,605,330 alleles (0.000062%); highest among the groups gnomAD compares: Non-Finnish European, 0.000085%; no homozygotes.

Submission:

Labcorp Genetics (formerly Invitae), Labcorp
Classification: Uncertain significance for Bethlem myopathy 1A. Last evaluated: 2025-10-02. Review status: criteria provided, single submitter. Criteria: Invitae Variant Classification Sherloc (09022015). Collection method: clinical testing. Allele origin: germline.
Comment: This sequence change replaces glutamine, which is neutral and polar, with histidine, which is basic and polar, at codon 32 of the COL6A1 protein (p.Gln32His). This variant is not present in population databases (gnomAD no frequency). This variant has not been reported in the literature in individuals affected with COL6A1-related conditions. ClinVar contains an entry for this variant (Variation ID: 3649619). Experimental studies and prediction algorithms are not available or were not evaluated, and the functional significance of this variant is currently unknown. In summary, the available evidence is currently insufficient to determine the role of this variant in disease. Therefore, it has been classified as a Variant of Uncertain Significance.